The following is an entry in ClinVar:

ClinVar aggregate classification (germline): Likely pathogenic (1 of 4 stars; one submission).

Conditions:
Telangiectasia, hereditary hemorrhagic, type 1 (HHT1). Also called: Osler Weber Rendu syndrome type 1; ENG-Related Hereditary Hemorrhagic Telangiectasia. Identifiers: Orphanet 774, MedGen C4551861, MONDO:0008535, OMIM 187300. Disease mechanism: loss of function.

Submission:

University of Washington Department of Laboratory Medicine, University of Washington
Classification: Likely pathogenic for Hereditary hemorrhagic telangiectasia type 1. Last evaluated: 2018-03-28. Review status: criteria provided, single submitter. Criteria: Tsai GJ et al. (Genet Med 2018). Collection method: research. Allele origin: germline. Inheritance: Autosomal dominant inheritance. Affected: yes.
Comment: The ENG gene variant designated as NM_000118.3:c.589_592del12 is classified as pathogenic. Cosegregation analysis of one observed family was performed using an online resource (RaÃ±ola et al, 2018, PMID:28965303) and shows a likelihood ratio of 10.54 to 1 that this allele explains hereditary hemorrhagic telangiectasia in the family, providing evidence for pathogenicity of the variant (Thompson et al., 2003, PMID:1290079). We estimated a pretest probability of 90% supporting pathogenicity from PROVEAN computer algorithms. The ENG database from ARUP laboratories reported the variant in two affected relatives (one first-degree and one second-degree) of a proband (see Gedge et al., 2007, PMID:17384219 and an online resource). Bayesian analysis integrating all of this data (Tavtigian et al, 2018, PMID:29300386) gives a 98% probability of pathogenicity, which is consistent with a classification of likely pathogenic. This variant is predicted to alter ENG function and cause hereditary hemorrhagic telangiectasia. This analysis was performed in conjunction with the family studies project as part of the University of Washington Find My Variant Study.

NM_001114753.3(ENG):c.581_592del (p.Leu194_Arg197del)

Gene: ENG (endoglin; minus strand). Cytogenetic location: 9q34.11.
Variant type: Deletion.
Coding change: c.581_592del on transcript NM_001114753.3 (MANE Select); coding-DNA positions 581 to 592, 12 bases deleted (TCGAGTGGCGGC).
Protein change: p.Leu194_Arg197del.
Molecular consequence: inframe deletion. On other transcripts: inframe indel (2).
Genome position (GRCh38, 1-based): chr9:127,825,792-127,825,803, GCCGCCACTCGA deleted on the plus strand (TCGAGTGGCGGC on the coding strand, the reverse complement: ENG is on the minus strand); deleting any 12 consecutive bases within chr9:127,825,792-127,825,805 gives the same sequence; the c. name uses the placement nearest the transcript's 3' end. VCF-style (leftmost placement, unchanged base first): chr9-127825791-GGCCGCCACTCGA-G. GRCh37 (hg19) VCF-style: chr9-130588070-GGCCGCCACTCGA-G.
Other names: c.581_592del12 (NM_000118.3); c.579_590delGCTCGAGTGGCG, p.Leu194_Arg197del (NM_000118.4, NM_001406715.1); c.35_46del, p.Leu12_Arg15del (NM_001278138.2).
Identifiers: ClinVar variation 549762 (VCV000549762.5), dbSNP rs1554810408, ClinGen allele CA658821461.